The following is an entry in ClinVar:

ClinVar aggregate classification (germline): Uncertain significance (1 of 4 stars; one submission).

Conditions:
Wilson disease (WND). Also called: Wilson's disease. Identifiers: Orphanet 905, MedGen C0019202, MONDO:0010200, OMIM 277900. Disease mechanism: loss of function.

Submission:

All of Us Research Program, National Institutes of Health
Classification: Uncertain significance for Wilson disease. Last evaluated: 2024-09-23. Review status: criteria provided, single submitter. Criteria: ACMG Guidelines, 2015. Collection method: clinical testing. Allele origin: germline. Inheritance: Autosomal recessive inheritance. Observed: 3 variant alleles, 3 heterozygotes.
Comment: This missense variant replaces valine with leucine at codon 1367 of the ATP7B protein. Computational prediction is inconclusive regarding the impact of this variant on protein structure and function (internally defined REVEL score threshold 0.5 < inconclusive < 0.7, PMID: 27666373). To our knowledge, functional studies have not been reported for this variant. This variant has not been reported in individuals affected with ATP7B-related disorders in the literature. This variant has not been identified in the general population by the Genome Aggregation Database (gnomAD). The available evidence is insufficient to determine the role of this variant in disease conclusively. Therefore, this variant is classified as a Variant of Uncertain Significance.

This study involves interpretation of variants in research participants for the purpose of population health screening. Participant phenotype was not available at the time of variant classification. Additional details can be found in publication PMID: 35346344, PMCID: PMC8962531

NM_000053.4(ATP7B):c.4099G>T (p.Val1367Leu)

Gene: ATP7B (ATPase copper transporting beta; minus strand). Cytogenetic location: 13q14.3.
Variant type: single nucleotide variant.
Coding change: c.4099G>T on transcript NM_000053.4 (MANE Select); coding-DNA position 4099, G replaced by T.
Protein change: p.Val1367Leu; replaces valine 1367 with leucine.
Molecular consequence: missense variant.
Genome position (GRCh38, 1-based): chr13:51,935,618, C>A on the plus strand (G>T on the coding strand, the complement: ATP7B is on the minus strand). VCF-style: chr13-51935618-C-A. GRCh37 (hg19) VCF-style: chr13-52509754-C-A.
Other names: c.3478G>T, p.Val1160Leu (NM_001005918.3); c.3766G>T, p.Val1256Leu (NM_001243182.2); c.3865G>T, p.Val1289Leu (NM_001330578.2, NM_001406527.1, NM_001406528.1); c.3847G>T, p.Val1283Leu (NM_001330579.2, NM_001406531.1, NM_001406532.1); c.4099G>T, p.Val1367Leu (NM_001406511.1, NM_001406512.1); c.4093G>T, p.Val1365Leu (NM_001406513.1); c.4066G>T, p.Val1356Leu (NM_001406514.1); c.4045G>T, p.Val1349Leu (NM_001406515.1, NM_001406516.1); and 21 more; short protein forms V1254L, V1256L, V1257L, V1271L, V1283L, V1287L, V1289L, V1299L.
Identifiers: ClinVar variation 3073682 (VCV003073682.2), dbSNP rs1956912239, ClinGen allele CA388020039.